The following is an entry in ClinVar:

NM_003738.5(PTCH2):c.1506C>G (p.Val502=)

Gene: PTCH2 (patched 2; minus strand). Cytogenetic location: 1p34.1.
Variant type: single nucleotide variant.
Coding change: c.1506C>G on transcript NM_003738.5 (MANE Select); coding-DNA position 1506, C replaced by G.
Protein change: p.Val502=; no amino-acid change (valine 502 retained).
Molecular consequence: synonymous variant.
Genome position (GRCh38, 1-based): chr1:44,828,590, G>C on the plus strand (C>G on the coding strand, the complement: PTCH2 is on the minus strand). VCF-style: chr1-44828590-G-C. GRCh37 (hg19) VCF-style: chr1-45294262-G-C.
Other names: c.1506C>G, p.Val502= (NM_001166292.2).
Identifiers: ClinVar variation 695910 (VCV000695910.36), dbSNP rs11573582, ClinGen allele CA823283.

ClinVar aggregate classification (germline): Benign/Likely benign. Review status: criteria provided, multiple submitters, no conflicts (2 of 4 stars). 3 submissions from 3 submitters: Benign (1); Likely benign (1). 1 of the submissions does not count toward it. Last evaluated 2025-10-01.

Conditions:
PTCH2-related disorder. Also called: PTCH2-related condition; PTCH2-related disease.
Gorlin syndrome. Also called: Nevoid Basal Cell Carcinoma Syndrome; Basal cell nevus syndrome. Identifiers: Orphanet 377, MedGen C0004779, MONDO:0007187.

Allele frequency attached by ClinVar (database versions not stated): 1000 Genomes Project 30x 0.00016; TOPMed 0.00083.

Submissions (3):

Labcorp Genetics (formerly Invitae), Labcorp
Classification: Benign for Gorlin syndrome. Last evaluated: 2025-10-01. Review status: criteria provided, single submitter. Criteria: Invitae Variant Classification Sherloc (09022015). Collection method: clinical testing. Allele origin: germline.

CeGaT Center for Human Genetics Tuebingen
Classification: Likely benign. Last evaluated: 2022-11-01. Review status: criteria provided, single submitter. Criteria: CeGaT Center For Human Genetics Tuebingen Variant Classification Criteria Version 2. Collection method: clinical testing. Allele origin: germline. Affected: yes. Observed: 1 variant allele.
Comment: PTCH2: BP4, BP7

PreventionGenetics, part of Exact Sciences
Classification: Likely benign for PTCH2-related condition. Last evaluated: 2021-12-01. Review status: no assertion criteria provided. Collection method: clinical testing. Allele origin: germline. Not counted in ClinVar's aggregate classification.
Comment: This variant is classified as likely benign based on ACMG/AMP sequence variant interpretation guidelines (Richards et al. 2015 PMID: 25741868, with internal and published modifications).